The following is an entry in ClinVar:

NM_030662.4(MAP2K2):c.985-150C>G

Gene: MAP2K2 (mitogen-activated protein kinase kinase 2; minus strand). Cytogenetic location: 19p13.3.
Variant type: single nucleotide variant.
Coding change: c.985-150C>G on transcript NM_030662.4 (MANE Select); 150 bases into the intron before coding-DNA position 985, C replaced by G.
Molecular consequence: intron variant.
Genome position (GRCh38, 1-based): chr19:4,095,599, G>C on the plus strand (C>G on the coding strand, the complement: MAP2K2 is on the minus strand). VCF-style: chr19-4095599-G-C. GRCh37 (hg19) VCF-style: chr19-4095597-G-C.
Identifiers: ClinVar variation 561450 (VCV000561450.1), dbSNP rs16992199, ClinGen allele CA304447615.

ClinVar aggregate classification (germline): Benign (1 of 4 stars; one submission).

Allele frequency attached by ClinVar (database versions not stated): gnomAD exomes 0.00204; 1000 Genomes Project 0.01757; gnomAD 0.01868 and 0.02013; 1000 Genomes Project 30x 0.01874; TOPMed 0.02094.
gnomAD v4.1: 3,771 of 599,550 alleles (0.63%); highest among the groups gnomAD compares: African/African-American, 6.4%; 110 homozygotes.

Submission:

GeneDx
Classification: Benign. Last evaluated: 2018-06-14. Review status: criteria provided, single submitter. Criteria: GeneDx Variant Classification (06012015). Collection method: clinical testing. Allele origin: germline. Affected: yes.
Comment: This variant is considered likely benign or benign based on one or more of the following criteria: it is a conservative change, it occurs at a poorly conserved position in the protein, it is predicted to be benign by multiple in silico algorithms, and/or has population frequency not consistent with disease.